The following is an entry in ClinVar:

NM_020774.4(MIB1):c.1723C>T (p.Arg575Cys)

Gene: MIB1 (MIB E3 ubiquitin protein ligase 1; plus strand). Cytogenetic location: 18q11.2.
Variant type: single nucleotide variant.
Coding change: c.1723C>T on transcript NM_020774.4 (MANE Select); coding-DNA position 1723, C replaced by T.
Protein change: p.Arg575Cys; replaces arginine 575 with cysteine.
Molecular consequence: missense variant.
Genome position (GRCh38, 1-based): chr18:21,819,540, C>T. VCF-style: chr18-21819540-C-T. GRCh37 (hg19) VCF-style: chr18-19399501-C-T.
Other names: short protein forms R575C.
Identifiers: ClinVar variation 2478741 (VCV002478741.3), dbSNP rs763226912, ClinGen allele CA8908356.

ClinVar aggregate classification (germline): Uncertain significance (1 of 4 stars; one submission).

Conditions:
Inborn genetic diseases. Identifiers: MedGen C0950123, MeSH D030342.

Allele frequency attached by ClinVar (database versions not stated): ExAC 0.00001.
gnomAD v4.1: 9 of 1,610,128 alleles (0.00056%); highest among the groups gnomAD compares: South Asian, 0.0033%; no homozygotes.

Submission:

Ambry Genetics
Classification: Uncertain significance for Inborn genetic diseases. Last evaluated: 2026-03-23. Review status: criteria provided, single submitter. Criteria: Ambry Variant Classification Scheme 2023. Collection method: clinical testing. Allele origin: germline.
Comment: The p.R575C variant (also known as c.1723C>T), located in coding exon 12 of the MIB1 gene, results from a C to T substitution at nucleotide position 1723. The arginine at codon 575 is replaced by cysteine, an amino acid with highly dissimilar properties. This amino acid position is conserved. In addition, this alteration is predicted to be deleterious by in silico analysis. Based on the available evidence, the clinical significance of this variant remains unclear.